The following is an entry in ClinVar:

ClinVar aggregate classification (germline): Conflicting classifications of pathogenicity. Review status: criteria provided, conflicting classifications (1 of 4 stars). 5 submissions from 5 submitters: Uncertain significance (4); Benign (1). Last evaluated 2024-09-27.

Conditions:
Inborn genetic diseases. Identifiers: MedGen C0950123, MeSH D030342.
Joubert syndrome 21 (JBTS21). Identifiers: MedGen C3810212, MONDO:0014288, OMIM 615636.

Allele frequency attached by ClinVar (database versions not stated): gnomAD 0.00005 and 0.00009; gnomAD exomes 0.00011 and 0.00024; TOPMed 0.00011; ExAC 0.00016.

Submissions (5):

Ambry Genetics
Classification: Uncertain significance for Inborn genetic diseases. Last evaluated: 2024-09-27. Review status: criteria provided, single submitter. Criteria: Ambry Variant Classification Scheme 2023. Collection method: clinical testing. Allele origin: germline.

GeneDx
Classification: Uncertain significance. Last evaluated: 2024-09-26. Review status: criteria provided, single submitter. Criteria: GeneDx Variant Classification Process June 2021. Collection method: clinical testing. Allele origin: germline. Affected: yes.
Comment: In silico analysis supports that this missense variant does not alter protein structure/function; Has not been previously published as pathogenic or benign to our knowledge

Blueprint Genetics
Classification: Benign. Last evaluated: 2023-05-05. Review status: criteria provided, single submitter. Criteria: ACMG Guidelines, 2015. Collection method: clinical testing. Allele origin: germline.

Labcorp Genetics (formerly Invitae), Labcorp
Classification: Uncertain significance for Joubert syndrome 21. Last evaluated: 2022-09-27. Review status: criteria provided, single submitter. Criteria: Invitae Variant Classification Sherloc (09022015). Collection method: clinical testing. Allele origin: germline.
Comment: This sequence change replaces arginine, which is basic and polar, with glutamine, which is neutral and polar, at codon 802 of the CSPP1 protein (p.Arg802Gln). This variant is present in population databases (rs779204541, gnomAD 0.1%). This variant has not been reported in the literature in individuals affected with CSPP1-related conditions. ClinVar contains an entry for this variant (Variation ID: 1020178). Algorithms developed to predict the effect of missense changes on protein structure and function are either unavailable or do not agree on the potential impact of this missense change (SIFT: "Tolerated"; PolyPhen-2: "Probably Damaging"; Align-GVGD: "Class C0"). In summary, the available evidence is currently insufficient to determine the role of this variant in disease. Therefore, it has been classified as a Variant of Uncertain Significance.

Breakthrough Genomics
Classification: Uncertain significance. Review status: criteria provided, single submitter. Criteria: ACMG Guidelines, 2015. Collection method: not provided. Allele origin: germline. Inheritance: Autosomal recessive inheritance. Affected: yes.

NM_001382391.1(CSPP1):c.2420G>A (p.Arg807Gln)

Gene: CSPP1 (centrosome and spindle pole associated protein 1; plus strand). Cytogenetic location: 8q13.2.
Variant type: single nucleotide variant.
Coding change: c.2420G>A on transcript NM_001382391.1 (MANE Select); coding-DNA position 2420, G replaced by A.
Protein change: p.Arg807Gln; replaces arginine 807 with glutamine.
Molecular consequence: missense variant.
Genome position (GRCh38, 1-based): chr8:67,159,019, G>A. VCF-style: chr8-67159019-G-A. GRCh37 (hg19) VCF-style: chr8-68071254-G-A.
Other names: c.1370G>A, p.Arg457Gln (NM_001291339.2); c.2339G>A, p.Arg780Gln (NM_001363131.2); c.2225G>A, p.Arg742Gln (NM_001363132.2); c.2144G>A, p.Arg715Gln (NM_001363133.2); c.2486G>A, p.Arg829Gln (NM_001364869.1); c.2306G>A, p.Arg769Gln (NM_001364870.1); c.2405G>A, p.Arg802Gln (NM_024790.7); short protein forms R457Q, R715Q, R742Q, R769Q, R780Q, R802Q, R807Q, R829Q.
Identifiers: ClinVar variation 1020178 (VCV001020178.13), dbSNP rs779204541, ClinGen allele CA4770838.
Genomic context (GRCh38, chr8:67,159,019, plus strand): 5'-ATGGAATGCATATTTCTCTTTTTATTTTAAAGCAAAGGCTAAAAAATGAAGAGCATATTC[G>A]GTTAGCTGAAGAAAGACAAAAAGAAGCAGAAAGAAAGAAGAAAGAAGAAGAAGAAAAATA-3'
Protein context (NP_001369320.1, residues 797-817): EQRLKNEEHI[Arg807Gln]LAEERQKEAE